The following is an entry in ClinVar:

NM_133642.5(LARGE1):c.210C>T (p.Arg70=)

Gene: LARGE1 (LARGE xylosyl- and glucuronyltransferase 1; minus strand). Cytogenetic location: 22q12.3.
Variant type: single nucleotide variant.
Coding change: c.210C>T on transcript NM_133642.5 (MANE Select); coding-DNA position 210, C replaced by T.
Protein change: p.Arg70=; no amino-acid change (arginine 70 retained).
Molecular consequence: synonymous variant.
Genome position (GRCh38, 1-based): chr22:33,650,565, G>A on the plus strand (C>T on the coding strand, the complement: LARGE1 is on the minus strand). VCF-style: chr22-33650565-G-A. GRCh37 (hg19) VCF-style: chr22-34046551-G-A.
Other names: c.210C>T, p.Arg70= (NM_001362949.2, NM_001362951.2, NM_001362953.2 and 7 more transcripts).
Identifiers: ClinVar variation 167253 (VCV000167253.21), dbSNP rs145048151, ClinGen allele CA234215.

ClinVar aggregate classification (germline): Conflicting classifications of pathogenicity. Review status: criteria provided, conflicting classifications (1 of 4 stars). 5 submissions from 5 submitters: Uncertain significance (1); Benign (2); Likely benign (2). Last evaluated 2026-01-28.

Conditions:
Muscular dystrophy-dystroglycanopathy type B6 (MDDGB6). Also called: MUSCULAR DYSTROPHY, CONGENITAL, LARGE-RELATED; MUSCULAR DYSTROPHY, CONGENITAL, TYPE 1D; MUSCULAR DYSTROPHY-DYSTROGLYCANOPATHY (CONGENITAL WITH IMPAIRED INTELLECTUAL DEVELOPMENT), TYPE B, 6. Identifiers: MedGen C1837229, MONDO:0012138, OMIM 608840.

Allele frequency attached by ClinVar (database versions not stated): gnomAD exomes 0.00017 and 0.00061; ExAC 0.00069; gnomAD 0.00204 and 0.00220; TOPMed 0.00249; 1000 Genomes Project 0.00260; ESP Exome Variant Server 0.00277; 1000 Genomes Project 30x 0.00312.
gnomAD v4.1: 575 of 1,607,776 alleles (0.036%); highest among the groups gnomAD compares: African/African-American, 0.67%; 3 homozygotes.

Submissions (5):

Labcorp Genetics (formerly Invitae), Labcorp
Classification: Benign for Muscular dystrophy-dystroglycanopathy type B6. Last evaluated: 2026-01-28. Review status: criteria provided, single submitter. Criteria: Invitae Variant Classification Sherloc (09022015). Collection method: clinical testing. Allele origin: germline.

Athena Diagnostics
Classification: Benign. Last evaluated: 2024-12-06. Review status: criteria provided, single submitter. Criteria: Athena Diagnostics Criteria. Collection method: clinical testing. Allele origin: unknown.
Comment: The frequency of this variant in the general population is higher than would generally be expected for pathogenic variants in this gene. Computational tools yielded predictions that this variant is unlikely to have an effect on normal RNA splicing. This nucleotide position exhibits low evolutionary conservation.

Blueprint Genetics
Classification: Likely benign. Last evaluated: 2024-04-10. Review status: criteria provided, single submitter. Criteria: ACMG Guidelines, 2015. Collection method: clinical testing. Allele origin: germline.

GeneDx
Classification: Likely benign. Last evaluated: 2020-09-02. Review status: criteria provided, single submitter. Criteria: GeneDx Variant Classification Process June 2021. Collection method: clinical testing. Allele origin: germline. Affected: yes.

Eurofins Ntd Llc (ga)
Classification: Uncertain significance. Last evaluated: 2014-01-02. Review status: criteria provided, single submitter. Criteria: EGL Classification Definitions 2015. Collection method: clinical testing. Allele origin: germline. Observed: 1 variant allele, 1 heterozygote.